The following is an entry in ClinVar:

ClinVar aggregate classification (germline): Benign/Likely benign. Review status: criteria provided, multiple submitters, no conflicts (2 of 4 stars). 9 submissions from 9 submitters: Benign (3); Likely benign (5). 1 of the submissions does not count toward it. Last evaluated 2026-02-03.

Conditions:
Hereditary cancer-predisposing syndrome. Also called: Tumor predisposition; Hereditary Cancer Syndrome; Neoplastic Syndromes, Hereditary; Hereditary neoplastic syndrome. Identifiers: Orphanet 140162, MedGen C0027672, MeSH D009386, MONDO:0015356.
ALK-related disorder. Also called: ALK-related condition.
Neuroblastoma, susceptibility to, 3. Also called: ALK-Related Neuroblastic Tumor Susceptibility. Identifiers: Orphanet 635, MedGen C2751681, MONDO:0013083, OMIM 613014.

Allele frequency attached by ClinVar (database versions not stated): ESP Exome Variant Server 0.00015; 1000 Genomes Project 30x 0.00016; 1000 Genomes Project 0.00020; gnomAD exomes 0.00025 and 0.00038; ExAC 0.00031; gnomAD 0.00036 and 0.00039; TOPMed 0.00051.
gnomAD v4.1: 440 of 1,614,074 alleles (0.027%); highest among the groups gnomAD compares: East Asian, 0.069%; no homozygotes.

Submissions (9):

Labcorp Genetics (formerly Invitae), Labcorp
Classification: Benign for Neuroblastoma, susceptibility to, 3. Last evaluated: 2026-02-03. Review status: criteria provided, single submitter. Criteria: Invitae Variant Classification Sherloc (09022015). Collection method: clinical testing. Allele origin: germline.

CeGaT Center for Human Genetics Tuebingen
Classification: Likely benign. Last evaluated: 2025-06-01. Review status: criteria provided, single submitter. Criteria: CeGaT Center For Human Genetics Tuebingen Variant Classification Criteria Version 2. Collection method: clinical testing. Allele origin: germline. Affected: yes. Observed: 1 variant allele.
Comment: ALK: BP4, BP7

KCCC/NGS Laboratory, Kuwait Cancer Control Center
Classification: Benign for Neuroblastoma, susceptibility to, 3. Last evaluated: 2025-02-01. Review status: criteria provided, single submitter. Criteria: ACMG Guidelines, 2015. Collection method: clinical testing. Allele origin: germline. Affected: no.

Blueprint Genetics
Classification: Likely benign. Last evaluated: 2024-10-09. Review status: criteria provided, single submitter. Criteria: ACMG Guidelines, 2015. Collection method: clinical testing. Allele origin: germline.

Ambry Genetics
Classification: Likely benign for Hereditary cancer-predisposing syndrome. Last evaluated: 2022-02-12. Review status: criteria provided, single submitter. Criteria: Ambry Variant Classification Scheme 2023. Collection method: clinical testing. Allele origin: germline.

Sema4
Classification: Benign for Hereditary cancer-predisposing syndrome. Last evaluated: 2021-05-05. Review status: criteria provided, single submitter. Criteria: Sema4 Curation Guidelines. Collection method: curation. Allele origin: germline.

Illumina Laboratory Services, Illumina
Classification: Likely benign for Neuroblastoma, susceptibility to, 3. Last evaluated: 2018-01-12. Review status: criteria provided, single submitter. Criteria: ICSL Variant Classification Criteria 13 December 2019. Collection method: clinical testing. Allele origin: germline.
Comment: This variant was observed in the ICSL laboratory as part of a predisposition screen in an ostensibly healthy population. It had not been previously curated by ICSL or reported in the Human Gene Mutation Database (HGMD: prior to June 1st, 2018), and was therefore a candidate for classification through an automated scoring system. Utilizing variant allele frequency, disease prevalence and penetrance estimates, and inheritance mode, an automated score was calculated to assess if this variant is too frequent to cause the disease. Based on the score and internal cut-off values, a variant classified as likely benign is not then subjected to further curation. The score for this variant resulted in a classification of likely benign for this disease.

GeneDx
Classification: Likely benign. Last evaluated: 2018-01-02. Review status: criteria provided, single submitter. Criteria: GeneDx Variant Classification (06012015). Collection method: clinical testing. Allele origin: germline. Affected: yes.
Comment: This variant is considered likely benign or benign based on one or more of the following criteria: it is a conservative change, it occurs at a poorly conserved position in the protein, it is predicted to be benign by multiple in silico algorithms, and/or has population frequency not consistent with disease.

PreventionGenetics, part of Exact Sciences
Classification: Likely benign for ALK-related condition. Last evaluated: 2019-12-24. Review status: no assertion criteria provided. Collection method: clinical testing. Allele origin: germline. Not counted in ClinVar's aggregate classification.
Comment: This variant is classified as likely benign based on ACMG/AMP sequence variant interpretation guidelines (Richards et al. 2015 PMID: 25741868, with internal and published modifications).

NM_004304.5(ALK):c.2451C>T (p.Gly817=)

Gene: ALK (ALK receptor tyrosine kinase; minus strand). Cytogenetic location: 2p23.2.
Variant type: single nucleotide variant.
Coding change: c.2451C>T on transcript NM_004304.5 (MANE Select); coding-DNA position 2451, C replaced by T.
Protein change: p.Gly817=; no amino-acid change (glycine 817 retained).
Molecular consequence: synonymous variant.
Genome position (GRCh38, 1-based): chr2:29,233,601, G>A on the plus strand (C>T on the coding strand, the complement: ALK is on the minus strand). VCF-style: chr2-29233601-G-A. GRCh37 (hg19) VCF-style: chr2-29456467-G-A.
Identifiers: ClinVar variation 239805 (VCV000239805.30), dbSNP rs183314518, ClinGen allele CA1594310.